The following is an entry in ClinVar:

NM_206933.4(USH2A):c.9056-7A>T

Gene: USH2A (usherin; minus strand). Cytogenetic location: 1q41.
Variant type: single nucleotide variant.
Coding change: c.9056-7A>T on transcript NM_206933.4 (MANE Select); 7 bases into the intron before coding-DNA position 9056, A replaced by T.
Molecular consequence: intron variant.
Genome position (GRCh38, 1-based): chr1:215,844,503, T>A on the plus strand (A>T on the coding strand, the complement: USH2A is on the minus strand). VCF-style: chr1-215844503-T-A. GRCh37 (hg19) VCF-style: chr1-216017845-T-A.
Identifiers: ClinVar variation 4989660 (VCV004989660.1).

ClinVar aggregate classification (germline): Likely benign (1 of 4 stars; one submission).

Conditions:
USH2A-related disorder. Also called: USH2A-related disorders; USH2A-related condition. Identifiers: MedGen CN239332.

Submission:

PreventionGenetics, part of Exact Sciences
Classification: Likely benign for USH2A-related condition. Last evaluated: 2025-01-09. Review status: criteria provided, single submitter. Criteria: ACMG Guidelines, 2015. Collection method: clinical testing. Allele origin: germline.
Comment: This variant is classified as likely benign based on ACMG/AMP sequence variant interpretation guidelines (Richards et al. 2015 PMID: 25741868, with internal and published modifications).